The following is an entry in ClinVar:

NM_020831.6(MRTFA):c.2354G>C (p.Ser785Thr)

Gene: MRTFA (myocardin related transcription factor A; minus strand). Cytogenetic location: 22q13.1.
Variant type: single nucleotide variant.
Coding change: c.2354G>C on transcript NM_020831.6 (MANE Select); coding-DNA position 2354, G replaced by C.
Protein change: p.Ser785Thr; replaces serine 785 with threonine.
Molecular consequence: missense variant.
Genome position (GRCh38, 1-based): chr22:40,418,384, C>G on the plus strand (G>C on the coding strand, the complement: MRTFA is on the minus strand). VCF-style: chr22-40418384-C-G. GRCh37 (hg19) VCF-style: chr22-40814388-C-G.
Other names: c.2054G>C, p.Ser685Thr (NM_001282660.2); c.2204G>C, p.Ser735Thr (NM_001282661.3); c.2354G>C, p.Ser785Thr (NM_001282662.3); c.2159G>C, p.Ser720Thr (NM_001318139.2); short protein forms S685T, S720T, S735T, S785T.
Identifiers: ClinVar variation 1682963 (VCV001682963.8), dbSNP rs901296771, ClinGen allele CA324466916.
Genomic context (GRCh38, chr22:40,418,384, plus strand): 5'-TCTTCCCACCCTCCTCTGGGCCCTGCCCGGTTCCTCCCATACCCAGGTACCTGCTGGGGG[C>G]TCCCACTGGACAGGCCAGGGCTGTCTGCATTCTTATTGGTCACGGTGAGGACAAGGTGGG-3'
Protein context (NP_065882.2, residues 775-795): NADSPGLSSG[Ser785Thr]PQQPSSQPGS

ClinVar aggregate classification (germline): Uncertain significance (1 of 4 stars; one submission).

Allele frequency attached by ClinVar (database versions not stated): gnomAD exomes below 0.00001; gnomAD 0.00001; TOPMed 0.00001.
gnomAD v4.1: 5 of 1,613,512 alleles (0.00031%); highest among the groups gnomAD compares: Admixed American, 0.0083%; no homozygotes.

Submission:

Labcorp Genetics (formerly Invitae), Labcorp
Classification: Uncertain significance. Last evaluated: 2024-10-22. Review status: criteria provided, single submitter. Criteria: Invitae Variant Classification Sherloc (09022015). Collection method: clinical testing. Allele origin: germline.
Comment: This sequence change replaces serine, which is neutral and polar, with threonine, which is neutral and polar, at codon 685 of the MKL1 protein (p.Ser685Thr). This variant is present in population databases (no rsID available, gnomAD 0.003%). This variant has not been reported in the literature in individuals affected with MKL1-related conditions. ClinVar contains an entry for this variant (Variation ID: 1682963). An algorithm developed to predict the effect of missense changes on protein structure and function (PolyPhen-2) suggests that this variant is likely to be disruptive. In summary, the available evidence is currently insufficient to determine the role of this variant in disease. Therefore, it has been classified as a Variant of Uncertain Significance.